The following is an entry in ClinVar:

NM_007254.4(PNKP):c.1278_1291del (p.Asp427fs)

Gene: PNKP (polynucleotide kinase 3'-phosphatase; minus strand). Cytogenetic location: 19q13.33.
Variant type: Deletion.
Coding change: c.1278_1291del on transcript NM_007254.4 (MANE Select); coding-DNA positions 1278 to 1291, 14 bases deleted (AGACGCCGCGAGCC).
Protein change: p.Asp427fs; shifts the reading frame from aspartic acid 427.
Molecular consequence: frameshift variant.
Genome position (GRCh38, 1-based): chr19:49,861,779-49,861,792, GGCTCGCGGCGTCT deleted on the plus strand (AGACGCCGCGAGCC on the coding strand, the reverse complement: PNKP is on the minus strand); deleting any 14 consecutive bases within chr19:49,861,779-49,861,794 gives the same sequence; the c. name uses the placement nearest the transcript's 3' end. VCF-style (leftmost placement, unchanged base first): chr19-49861778-CGGCTCGCGGCGTCT-C. GRCh37 (hg19) VCF-style: chr19-50365035-CGGCTCGCGGCGTCT-C.
Other names: short protein forms D427fs.
Identifiers: ClinVar variation 504465 (VCV000504465.9), dbSNP rs764379536, ClinGen allele CA9586485.

ClinVar aggregate classification (germline): Pathogenic/Likely pathogenic. Review status: criteria provided, multiple submitters, no conflicts (2 of 4 stars). 3 submissions from 3 submitters: Pathogenic (2); Likely pathogenic (1). Last evaluated 2023-04-15.

Conditions:
Developmental and epileptic encephalopathy, 12 (DEE12). Identifiers: MedGen C3150988, MONDO:0013389, OMIM 613722.
Inborn genetic diseases. Identifiers: MedGen C0950123, MeSH D030342.

Submissions (3):

Labcorp Genetics (formerly Invitae), Labcorp
Classification: Pathogenic for Developmental and epileptic encephalopathy, 12. Last evaluated: 2023-04-15. Review status: criteria provided, single submitter. Criteria: Invitae Variant Classification Sherloc (09022015). Collection method: clinical testing. Allele origin: germline.
Comment: For these reasons, this variant has been classified as Pathogenic. This variant disrupts a region of the PNKP protein in which other variant(s) (p.Gln517*) have been determined to be pathogenic (PMID: 30039206). This suggests that this is a clinically significant region of the protein, and that variants that disrupt it are likely to be disease-causing. ClinVar contains an entry for this variant (Variation ID: 504465). This variant has not been reported in the literature in individuals affected with PNKP-related conditions. This variant is present in population databases (rs764379536, gnomAD 0.003%). This sequence change creates a premature translational stop signal (p.Asp427Argfs*62) in the PNKP gene. While this is not anticipated to result in nonsense mediated decay, it is expected to disrupt the last 95 amino acid(s) of the PNKP protein.

Ambry Genetics
Classification: Pathogenic for Inborn genetic diseases. Last evaluated: 2019-03-29. Review status: criteria provided, single submitter. Criteria: Ambry Variant Classification Scheme 2023. Collection method: clinical testing. Allele origin: germline.
Comment: The c.1278_1291del14 pathogenic mutation, located in coding exon 13 of the PNKP gene, results from a deletion of 14 nucleotides at nucleotide positions 1278 to 1291, causing a translational frameshift with a predicted alternate stop codon (p.D427Rfs*62). This frameshift occurs at the 3' terminus of PNKP, is not expected to trigger nonsense-mediated mRNA decay, and impacts only the last 95 amino acids of the protein. The exact functional impact of these altered amino acids is unknown at this time. However, variants resulting in similar proteins have been reported in individuals with microcephaly, seizures and developmental delay, as well as ataxia with oculomotor apraxia type 4 (Shen J et al. Nat. Genet., 2010 Mar;42:245-9; Bras J et al. Am. J. Hum. Genet., 2015 Mar;96:474-9). One of those variants (c.1253_1269dup17) has also been shown to lose DNA kinase activity in functional studies (Reynolds JJ et al. Nucleic Acids Res., 2012 Aug;40:6608-19). Based on our internal structural assessment, this alteration results in loss of large parts of the polynucleotide kinase domain, including helices involved in DNA and NTP binding (Garces F et al. Mol. Cell, 2011 Nov;44:385-96). In addition, this variant was not reported in population-based cohorts in the Genome Aggregation Database (gnomAD). Based on the supporting evidence, this alteration is interpreted as a disease-causing mutation.

GeneDx
Classification: Likely pathogenic. Last evaluated: 2018-02-28. Review status: criteria provided, single submitter. Criteria: GeneDx Variant Classification (06012015). Collection method: clinical testing. Allele origin: germline. Affected: yes.
Comment: The c.1278_1291del14 variant in the PNKP gene has not been reported previously as a pathogenic variant, nor as a benign variant, to our knowledge. The c.1278_1291del14 variant causes a frameshift starting with codon Aspartic acid 427, changes this amino acid to a Arginine residue, and creates a premature Stop codon at position 62 of the new reading frame, denoted p.Asp427ArgfsX62. This variant is predicted to cause loss of normal protein function through protein truncation. The c.1278_1291del14 variant is not observed at a significant frequency in large population cohorts (Lek et al., 2016). We interpret c.1278_1291del14 as a likely pathogenic variant.

Literature cited by the submitters: PubMed 30039206 (cited by Labcorp Genetics (formerly Invitae), Labcorp); PubMed 20118933 (cited by Ambry Genetics); PubMed 22055185 (cited by Ambry Genetics); PubMed 22508754 (cited by Ambry Genetics); PubMed 25728773 (cited by Ambry Genetics).